The following is an entry in ClinVar:

NM_001127178.3(PIGG):c.845C>G (p.Thr282Ser)

Gene: PIGG (phosphatidylinositol glycan anchor biosynthesis class G (EMM blood group); plus strand). Cytogenetic location: 4p16.3.
Variant type: single nucleotide variant.
Coding change: c.845C>G on transcript NM_001127178.3 (MANE Select); coding-DNA position 845, C replaced by G.
Protein change: p.Thr282Ser; replaces threonine 282 with serine.
Molecular consequence: missense variant. On other transcripts: 5 prime UTR variant (3), non-coding transcript variant (10), intron variant (1).
Genome position (GRCh38, 1-based): chr4:508,914, C>G. VCF-style: chr4-508914-C-G. GRCh37 (hg19) VCF-style: chr4-502703-C-G.
Other names: c.578C>G, p.Thr193Ser (NM_001289051.2, NM_001289053.2, NM_001289057.2 and 2 more transcripts); c.446C>G, p.Thr149Ser (NM_001289052.2); c.479C>G, p.Thr160Ser (NM_001289055.2); c.845C>G, p.Thr282Ser (NM_001345989.2, NM_017733.5); c.-781C>G (NM_001345990.2); c.-643C>G (NM_001345991.2); c.-368C>G (NM_001345994.2); c.-129+1321C>G (NM_001345988.2); short protein forms T160S, T193S, T149S, T282S.
Identifiers: ClinVar variation 940506 (VCV000940506.10), dbSNP rs781867858, ClinGen allele CA91051261.

ClinVar aggregate classification (germline): Uncertain significance (1 of 4 stars; one submission).

Conditions:
Intellectual disability, autosomal recessive 53 (NEDHSCA). Also called: GLYCOSYLPHOSPHATIDYLINOSITOL BIOSYNTHESIS DEFECT 13; Mental retardation, autosomal recessive 53; NEURODEVELOPMENTAL DISORDER WITH OR WITHOUT HYPOTONIA, SEIZURES, AND CEREBELLAR ATROPHY. Identifiers: Orphanet 488635, MedGen C4310794, MONDO:0014832, OMIM 616917.

Allele frequency attached by ClinVar (database versions not stated): gnomAD exomes 0.00001.
gnomAD v4.1: 9 of 1,610,194 alleles (0.00056%); highest among the groups gnomAD compares: Non-Finnish European, 0.00077%; no homozygotes.

Submission:

Labcorp Genetics (formerly Invitae), Labcorp
Classification: Uncertain significance for Intellectual disability, autosomal recessive 53. Last evaluated: 2020-12-04. Review status: criteria provided, single submitter. Criteria: Invitae Variant Classification Sherloc (09022015). Collection method: clinical testing. Allele origin: germline.
Comment: This sequence change replaces threonine with serine at codon 282 of the PIGG protein (p.Thr282Ser). The threonine residue is weakly conserved and there is a small physicochemical difference between threonine and serine. This variant is not present in population databases (ExAC no frequency). This variant has not been reported in the literature in individuals with PIGG-related conditions. Algorithms developed to predict the effect of missense changes on protein structure and function (SIFT, PolyPhen-2, Align-GVGD) all suggest that this variant is likely to be tolerated, but these predictions have not been confirmed by published functional studies and their clinical significance is uncertain. Algorithms developed to predict the effect of sequence changes on RNA splicing suggest that this variant may create or strengthen a splice site, but this prediction has not been confirmed by published transcriptional studies. In summary, the available evidence is currently insufficient to determine the role of this variant in disease. Therefore, it has been classified as a Variant of Uncertain Significance.